The following is an entry in ClinVar:

NM_000059.4(BRCA2):c.8632+2T>G

Gene: BRCA2 (BRCA2 DNA repair associated; plus strand). Cytogenetic location: 13q13.1.
Variant type: single nucleotide variant.
Coding change: c.8632+2T>G on transcript NM_000059.4 (MANE Select); the canonical splice donor site of the intron after coding-DNA position 8632, T replaced by G.
Molecular consequence: splice donor variant.
Genome position (GRCh38, 1-based): chr13:32,371,102, T>G. VCF-style: chr13-32371102-T-G. GRCh37 (hg19) VCF-style: chr13-32945239-T-G.
Other names: c.8632+2T>G (NM_001406720.1); c.8536+2T>G (NM_001406719.1); c.3700+2T>G (NM_001406721.1); c.2215+2T>G (NM_001406722.1).
Identifiers: ClinVar variation 52640 (VCV000052640.10), dbSNP rs397507998, ClinGen allele CA025743.
Genomic context (GRCh38, chr13:32,371,102, plus strand): 5'-ACAAAAGAGACTAGAAGCCTTATTCACTAAAATTCAGGAGGAATTTGAAGAACATGAAGG[T>G]AAAATTAGTTATATGGTACACATTGTTATTTCTAATATGAGAACAAAGTCTTAGAGACTT-3'

ClinVar aggregate classification (germline): Pathogenic/Likely pathogenic. Review status: criteria provided, multiple submitters, no conflicts (2 of 4 stars). 4 submissions from 4 submitters: Pathogenic (2); Likely pathogenic (1). 1 of the submissions does not count toward it. Last evaluated 2025-11-19.

Conditions:
Hereditary breast ovarian cancer syndrome. Also called: Hereditary breast and ovarian cancer syndrome; Hereditary breast and ovarian cancer; Hereditary breast and ovarian cancer syndrome (HBOC); Breast and ovarian cancer; Hereditary breast and/or ovarian cancer syndrome; BRCA1- and BRCA2-Associated Hereditary Breast and Ovarian Cancer. Identifiers: Orphanet 145, MedGen C0677776, MeSH D061325, MONDO:0003582. Disease mechanism: loss of function.
Familial cancer of breast. Also called: BREAST CANCER, FAMILIAL; Hereditary breast cancer; hereditary breast carcinoma. Identifiers: Orphanet 227535, MedGen C0346153, MONDO:0016419, OMIM 114480. Disease mechanism: loss of function.

Submissions (4):

Labcorp Genetics (formerly Invitae), Labcorp
Classification: Pathogenic for Hereditary breast ovarian cancer syndrome. Last evaluated: 2025-11-19. Review status: criteria provided, single submitter. Criteria: Invitae Variant Classification Sherloc (09022015). Collection method: clinical testing. Allele origin: germline.
Comment: This sequence change affects a donor splice site in intron 20 of the BRCA2 gene. RNA analysis indicates that disruption of this splice site induces altered splicing and may result in an absent or altered protein product. This variant is not present in population databases (gnomAD no frequency). Disruption of this splice site has been observed in individual(s) with personal and/or family history of breast and/or ovarian cancer (PMID: 20033483, 31786208). This variant is also known as c.8860+2T>G. ClinVar contains an entry for this variant (Variation ID: 52640). Studies have shown that disruption of this splice site results in skipping of exon 20, and produces a non-functional protein and/or introduces a premature termination codon (PMID: 24212087, 29774201, 30101128, 30623411; internal data). For these reasons, this variant has been classified as Pathogenic.

Quest Diagnostics Nichols Institute San Juan Capistrano
Classification: Pathogenic. Last evaluated: 2025-11-10. Review status: criteria provided, single submitter. Criteria: Quest Diagnostics criteria. Collection method: clinical testing. Allele origin: unknown.
Comment: The BRCA2 c.8632+2T>G variant disrupts a canonical splice-donor site and interferes with normal BRCA2 mRNA splicing. This variant has been reported in the published literature in families with hereditary breast and ovarian cancer syndrome (PMID: 39438962 (2024), 20033483 (2010)). Functional studies demonstrated that this variant has an inconclusive effect on protein function (PMID: 39779848 (2025)). This variant has not been reported in large, multi-ethnic general populations (Genome Aggregation Database). Based on the available information, this variant is classified as pathogenic.

Women's Health and Genetics/Laboratory Corporation of America, LabCorp
Classification: Likely pathogenic for Hereditary breast ovarian cancer syndrome. Last evaluated: 2021-06-07. Review status: criteria provided, single submitter. Criteria: LabCorp Variant Classification Summary - May 2015. Collection method: clinical testing. Allele origin: germline.
Comment: Variant summary: BRCA2 c.8632+2T>G is located in a canonical splice-site and is predicted to affect mRNA splicing resulting in a significantly altered protein due to either exon skipping, shortening, or inclusion of intronic material. Several computational tools predict a significant impact on normal splicing: Three predict that the variant abolishes a 5-prime splicing donor site. However, these predictions have yet to be confirmed by functional studies. The variant was absent in 250560 control chromosomes. c.8632+2T>G has been reported in the literature in individuals affected with Hereditary Breast And Ovarian Cancer Syndrome (e.g. Esteban-Cardenosa_2010, Rodriguez-Balada_2020). However, at least one of these patients also carried a pathogenic variant in PALB2 (c.2257C>T, p.Arg753X; Rodriguez-Balada_2020). These data do not allow any conclusion about variant significance. To our knowledge, no experimental evidence demonstrating an impact on protein function has been reported. No clinical diagnostic laboratories have submitted clinical-significance assessments for this variant to ClinVar after 2014. Based on the evidence outlined above, the variant was classified as likely pathogenic.

ClinVar Staff, National Center for Biotechnology Information (NCBI)
No classification provided. Condition: Familial cancer of breast. Review status: no classification provided. Collection method: literature only. Allele origin: germline. Affected: yes. Not counted in ClinVar's aggregate classification.

Literature cited by the submitters: PubMed 20033483 (cited by 4 submitters); PubMed 31786208 (cited by 3 submitters); PubMed 24212087 (cited by Labcorp Genetics (formerly Invitae), Labcorp); PubMed 29774201 (cited by Labcorp Genetics (formerly Invitae), Labcorp); PubMed 30101128 (cited by Labcorp Genetics (formerly Invitae), Labcorp); PubMed 30623411 (cited by Labcorp Genetics (formerly Invitae), Labcorp); PubMed 39438962 (cited by Quest Diagnostics Nichols Institute San Juan Capistrano); PubMed 39779848 (cited by Quest Diagnostics Nichols Institute San Juan Capistrano); PubMed 27886673 (cited by Women's Health and Genetics/Laboratory Corporation of America, LabCorp); PubMed 23479189 (cited by Women's Health and Genetics/Laboratory Corporation of America, LabCorp).